The following is an entry in ClinVar:

ClinVar aggregate classification (germline): Uncertain significance (1 of 4 stars; one submission).

Submission:

Labcorp Genetics (formerly Invitae), Labcorp
Classification: Uncertain significance. Last evaluated: 2022-05-04. Review status: criteria provided, single submitter. Criteria: Invitae Variant Classification Sherloc (09022015). Collection method: clinical testing. Allele origin: germline.
Comment: In summary, the available evidence is currently insufficient to determine the role of this variant in disease. Therefore, it has been classified as a Variant of Uncertain Significance. Algorithms developed to predict the effect of missense changes on protein structure and function (SIFT, PolyPhen-2, Align-GVGD) all suggest that this variant is likely to be tolerated. This variant has not been reported in the literature in individuals affected with ASAH1-related conditions. This variant is not present in population databases (gnomAD no frequency). This sequence change replaces leucine, which is neutral and non-polar, with valine, which is neutral and non-polar, at codon 155 of the ASAH1 protein (p.Leu155Val).

NM_177924.5(ASAH1):c.463C>G (p.Leu155Val)

Gene: ASAH1 (N-acylsphingosine amidohydrolase 1; minus strand). Cytogenetic location: 8p22.
Variant type: single nucleotide variant.
Coding change: c.463C>G on transcript NM_177924.5 (MANE Select); coding-DNA position 463, C replaced by G.
Protein change: p.Leu155Val; replaces leucine 155 with valine.
Molecular consequence: missense variant.
Genome position (GRCh38, 1-based): chr8:18,063,225, G>C on the plus strand (C>G on the coding strand, the complement: ASAH1 is on the minus strand). VCF-style: chr8-18063225-G-C. GRCh37 (hg19) VCF-style: chr8-17920734-G-C.
Other names: c.445C>G, p.Leu149Val (NM_001127505.3); c.268C>G, p.Leu90Val (NM_001363743.2); c.511C>G, p.Leu171Val (NM_004315.6); short protein forms L149V, L155V, L171V, L90V.
Identifiers: ClinVar variation 2419603 (VCV002419603.6), dbSNP rs2537933012, ClinGen allele CA370431202.